The following is an entry in ClinVar:

NM_133433.4(NIPBL):c.5936T>G (p.Val1979Gly)

Gene: NIPBL (NIPBL cohesin loading factor; plus strand). Cytogenetic location: 5p13.2.
Variant type: single nucleotide variant.
Coding change: c.5936T>G on transcript NM_133433.4 (MANE Select); coding-DNA position 5936, T replaced by G.
Protein change: p.Val1979Gly; replaces valine 1979 with glycine.
Molecular consequence: missense variant.
Genome position (GRCh38, 1-based): chr5:37,036,452, T>G. VCF-style: chr5-37036452-T-G. GRCh37 (hg19) VCF-style: chr5-37036554-T-G.
Other names: c.5936T>G, p.Val1979Gly (NM_015384.5); short protein forms V1979G.
Identifiers: ClinVar variation 1683741 (VCV001683741.2), dbSNP rs2149718188, ClinGen allele CA359496667.

ClinVar aggregate classification (germline): Likely pathogenic (1 of 4 stars; one submission).

Conditions:
Cornelia de Lange syndrome 1 (CDLS1). Also called: Brachmann de Lange syndrome; TYPUS DEGENERATIVUS AMSTELODAMENSIS; NIPBL-Related Cornelia de Lange Syndrome. Identifiers: Orphanet 199, MedGen C4551851, MONDO:0007387, OMIM 122470.

Submission:

Laboratorio de Genetica e Diagnostico Molecular, Hospital Israelita Albert Einstein
Classification: Likely pathogenic for Cornelia de Lange syndrome 1. Last evaluated: 2022-01-17. Review status: criteria provided, single submitter. Criteria: ACMG Guidelines, 2015. Collection method: clinical testing. Allele origin: germline. Affected: yes.
Comment: ACMG classification criteria: PM2, PM6 moderate, PP2, PP3